The following is an entry in ClinVar:

NM_000520.6(HEXA):c.59C>T (p.Ala20Val)

Gene: HEXA (hexosaminidase subunit alpha; minus strand). Cytogenetic location: 15q23.
Variant type: single nucleotide variant.
Coding change: c.59C>T on transcript NM_000520.6 (MANE Select); coding-DNA position 59, C replaced by T.
Protein change: p.Ala20Val; replaces alanine 20 with valine.
Molecular consequence: missense variant. On other transcripts: non-coding transcript variant (1).
Genome position (GRCh38, 1-based): chr15:72,375,914, G>A on the plus strand (C>T on the coding strand, the complement: HEXA is on the minus strand). VCF-style: chr15-72375914-G-A. GRCh37 (hg19) VCF-style: chr15-72668255-G-A.
Other names: c.59C>T, p.Ala20Val (NM_001318825.2); short protein forms A20V.
Identifiers: ClinVar variation 1402093 (VCV001402093.6), dbSNP rs749545037, ClinGen allele CA7645121.

ClinVar aggregate classification (germline): Uncertain significance (1 of 4 stars; one submission).

Conditions:
Tay-Sachs disease (TSD). Also called: HEXA DEFICIENCY; GM2 gangliosidosis, type 1; Hexosaminidase alpha-subunit deficiency (variant B); Sphingolipidosis, Tay-Sachs; Hexosaminidase A Deficiency; HEXA Disorders. Identifiers: Orphanet 845, MedGen C0039373, MONDO:0010100, OMIM 272800.

Allele frequency attached by ClinVar (database versions not stated): gnomAD exomes below 0.00001; ExAC 0.00001.
gnomAD v4.1: 3 of 1,614,138 alleles (0.00019%); highest among the groups gnomAD compares: Non-Finnish European, 0.00025%; no homozygotes.

Submission:

Labcorp Genetics (formerly Invitae), Labcorp
Classification: Uncertain significance for Tay-Sachs disease. Last evaluated: 2021-11-07. Review status: criteria provided, single submitter. Criteria: Invitae Variant Classification Sherloc (09022015). Collection method: clinical testing. Allele origin: germline.
Comment: In summary, the available evidence is currently insufficient to determine the role of this variant in disease. Therefore, it has been classified as a Variant of Uncertain Significance. Algorithms developed to predict the effect of sequence changes on RNA splicing suggest that this variant may create or strengthen a splice site. Algorithms developed to predict the effect of missense changes on protein structure and function output the following: SIFT: "Tolerated"; PolyPhen-2: "Not Available"; Align-GVGD: "Class C0". The valine amino acid residue is found in multiple mammalian species, which suggests that this missense change does not adversely affect protein function. This variant has not been reported in the literature in individuals affected with HEXA-related conditions. This variant is present in population databases (rs749545037, gnomAD 0.0009%). This sequence change replaces alanine, which is neutral and non-polar, with valine, which is neutral and non-polar, at codon 20 of the HEXA protein (p.Ala20Val).